The following is an entry in ClinVar:

NM_004360.5(CDH1):c.1565+1G>T

Gene: CDH1 (cadherin 1; plus strand). Cytogenetic location: 16q22.1.
Variant type: single nucleotide variant.
Coding change: c.1565+1G>T on transcript NM_004360.5 (MANE Select); the canonical splice donor site of the intron after coding-DNA position 1565, G replaced by T.
Molecular consequence: splice donor variant.
Genome position (GRCh38, 1-based): chr16:68,815,760, G>T. VCF-style: chr16-68815760-G-T. GRCh37 (hg19) VCF-style: chr16-68849663-G-T.
Other names: c.17+1G>T (NM_001317185.2); c.-255+1G>T (NM_001317186.2); c.1382+1G>T (NM_001317184.2).
Identifiers: ClinVar variation 141206 (VCV000141206.50), dbSNP rs587780113, ClinGen allele CA164768.

ClinVar aggregate classification (germline): Pathogenic. Review status: reviewed by expert panel (3 of 4 stars). 12 submissions from 12 submitters: Pathogenic (1). 11 of the submissions do not count toward it. Last evaluated 2023-08-25.

Conditions:
CDH1-related diffuse gastric and lobular breast cancer syndrome. Also called: CDH1-related diffuse gastric and lobular breast cancer. Identifiers: MedGen CN311521, MONDO:0100488.
Hereditary cancer-predisposing syndrome. Also called: Neoplastic Syndromes, Hereditary; Hereditary Cancer Syndrome; Hereditary neoplastic syndrome; Tumor predisposition. Identifiers: Orphanet 140162, MedGen C0027672, MeSH D009386, MONDO:0015356.
Hereditary diffuse gastric adenocarcinoma (HDGC). Also called: DIFFUSE GASTRIC AND LOBULAR BREAST CANCER SYNDROME. Identifiers: Orphanet 26106, MedGen C1708349, MONDO:0007648, OMIM 137215.
Familial cancer of breast. Also called: Hereditary breast cancer; hereditary breast carcinoma; BREAST CANCER, FAMILIAL. Identifiers: Orphanet 227535, MedGen C0346153, MONDO:0016419, OMIM 114480. Disease mechanism: loss of function.

Submissions (12):

Clingen Gastric Cancer Variant Curation Expert Panel
Classification: Pathogenic for CDH1-related diffuse gastric and lobular breast cancer syndrome. Last evaluated: 2023-08-25. Review status: reviewed by expert panel. Criteria: ClinGen CDH1 ACMG Specifications V3.1. Collection method: curation. Allele origin: germline. Inheritance: Autosomal dominant inheritance.
Comment: The c.1565+1G>T variant is a canonical splice variant predicted to result in a truncated or absent protein (PVS1_Strong, PM5_Supporting). This variant is absent in the gnomAD cohort (PM2_Supporting). This variant has been reported in at least two families meeting HDGC clinical criteria (PS4_Moderate; PMID: 26182300, 11968084). The variant was also found to co-segregate with disease in at least two families, with 6 meioses observed (PP1_Moderate; internal laboratory contributors). In summary, this variant meets criteria to be classified as pathogenic based on the ACMG/AMP criteria applied as specified by the CDH1 Variant Curation Expert Panel (Variant Interpretation Guidelines Version 3.1): PVS1_Strong, PM2_Supporting, PS4_Moderate and PP1_Moderate, PM5_Supporting.

Labcorp Genetics (formerly Invitae), Labcorp
Classification: Pathogenic for Hereditary diffuse gastric adenocarcinoma. Last evaluated: 2025-11-22. Review status: criteria provided, single submitter. Criteria: Invitae Variant Classification Sherloc (09022015). Collection method: clinical testing. Allele origin: germline. Not counted in ClinVar's aggregate classification.
Comment: This sequence change affects a donor splice site in intron 10 of the CDH1 gene. RNA analysis indicates that disruption of this splice site induces altered splicing and may result in an absent or altered protein product. This variant is not present in population databases (gnomAD no frequency). Disruption of this splice site has been observed in individuals with breast cancer and diffuse gastric cancer and/or hereditary diffuse gastric cancer (PMID: 11968084, 18046629, 18788075, 26182300, 27064202, 27153395). ClinVar contains an entry for this variant (Variation ID: 141206). Studies have shown that disruption of this splice site results in activation of a cryptic splice site and skipping of exon 11, and produces a non-functional protein and/or introduces a premature termination codon (internal data). For these reasons, this variant has been classified as Pathogenic.

Quest Diagnostics Nichols Institute San Juan Capistrano
Classification: Pathogenic. Last evaluated: 2025-11-07. Review status: criteria provided, single submitter. Criteria: Quest Diagnostics criteria. Collection method: clinical testing. Allele origin: unknown. Not counted in ClinVar's aggregate classification.
Comment: The CDH1 c.1565+1G>T variant disrupts a canonical splice-donor site and interferes with normal CDH1 mRNA splicing. This variant has been reported in the published literature in several individuals and families affected with gastric cancer (PMIDs: 11968084 (2002), 36436516 (2023), 36509094 (2023)), breast cancer (PMIDs: 34949788 (2022), 37563628 (2023)), and colorectal cancer (PMID: 18788075 (2008)). This variant has not been reported in large, multi-ethnic general populations (Genome Aggregation Database). Based on the available information, this variant is classified as pathogenic.

Color Diagnostics, LLC DBA Color Health
Classification: Pathogenic for Hereditary cancer-predisposing syndrome. Last evaluated: 2025-10-15. Review status: criteria provided, single submitter. Criteria: ACMG Guidelines, 2015. Collection method: clinical testing. Allele origin: germline. Not counted in ClinVar's aggregate classification.
Comment: This variant causes a G>T nucleotide substitution at the +1 position of intron 10 of the CDH1 gene. Splice site prediction tools predict that this variant may have a significant impact on RNA splicing. An RNA study has shown that a similar variant, c.1565+1G>A caused the partial and some full retention of intron 10, which introduces premature termination codon(s) into the variant mRNA transcript and is expected to cause an absent protein product (PMID: 31843900). This variant has been reported in at least two families affected with hereditary diffuse gastric cancer and additional families with CDH1-related cancer (PMID: 11968084, 18788075, 26182300, 28688938, 36436516). This variant also has been reported to segregate with disease in at least two families with 6 informative meioses (ClinVar accession: SCV001142224.2). Other variants at the +1 G nucleotide position also have been reported in individuals and families affected with breast and diffuse gastric cancer (PMID: 18046629, 26182300, 27064202, 27153395, 36436516). This variant has not been identified in the general population by the Genome Aggregation Database (gnomAD). Loss of CDH1 function is a known mechanism of disease. Based on the available evidence, this variant is classified as Pathogenic.

Molecular Pathology, Peter Maccallum Cancer Centre
Classification: Pathogenic for Hereditary diffuse gastric adenocarcinoma. Last evaluated: 2025-05-21. Review status: criteria provided, single submitter. Criteria: ACMG Guidelines, 2015. Collection method: clinical testing. Allele origin: germline. Inheritance: Autosomal dominant inheritance. Not counted in ClinVar's aggregate classification.

GeneDx
Classification: Pathogenic. Last evaluated: 2024-11-11. Review status: criteria provided, single submitter. Criteria: GeneDx Variant Classification Process June 2021. Collection method: clinical testing. Allele origin: germline. Affected: yes. Not counted in ClinVar's aggregate classification.
Comment: Canonical splice site variant predicted to result in a null allele in a gene for which loss of function is a known mechanism of disease; Not observed at significant frequency in large population cohorts (gnomAD); This variant is associated with the following publications: (PMID: 19725995, 20233471, 27153395, 26182300, 20373070, 18788075, 18046629, 15235021, 28688938, 21992816, 24389957, 16527687, 36509094, 34949788, 11968084, 30745422, 36436516)

Myriad Genetics, Inc.
Classification: Likely pathogenic for Hereditary diffuse gastric adenocarcinoma. Last evaluated: 2023-06-14. Review status: criteria provided, single submitter. Criteria: Myriad Autosomal Dominant, Autosomal Recessive and X-Linked Classification Criteria (2023). Collection method: clinical testing. Allele origin: unknown. Not counted in ClinVar's aggregate classification.
Comment: This variant is considered likely pathogenic. This variant occurs within a consensus splice junction and is predicted to result in abnormal mRNA splicing of either an out-of-frame exon or an in-frame exon necessary for protein stability and/or normal function.

Ambry Genetics
Classification: Pathogenic for Hereditary cancer-predisposing syndrome. Last evaluated: 2023-06-06. Review status: criteria provided, single submitter. Criteria: Ambry Variant Classification Scheme 2023. Collection method: clinical testing. Allele origin: germline. Not counted in ClinVar's aggregate classification.
Comment: The c.1565+1G>T pathogenic mutation results from a G to T substitution one nucleotide after coding exon 10 of the CDH1 gene. This mutation was first reported in a diffuse gastric cancer family (Humar B et al. Hum. Mutat. 2002 May;19(5):518-25). Other pathogenic mutations at this position have been identified in both classic hereditary diffuse gastric cancer and predominantly lobular breast cancer families (Schrader KA et al. Fam Cancer. 2008;7(1):73-82; Ambry internal data). In addition to the clinical data presented in the literature, alterations that disrupt the canonical splice site are expected to cause aberrant splicing, resulting in an abnormal protein or a transcript that is subject to nonsense-mediated mRNA decay. RNA studies have demonstrated that this alteration results in abnormal splicing in the set of samples tested (Ambry internal data). Based on the available evidence, this alteration is interpreted as a disease-causing mutation.

European Reference Network on Genetic Tumour Risk Syndromes (ERN-GENTURIS), i3s - Instituto de Investigação e Inovação em Saúde, University of Porto
Classification: Likely pathogenic for Hereditary diffuse gastric adenocarcinoma. Last evaluated: 2022-08-01. Review status: criteria provided, single submitter. Criteria: Lee et al. (Hum Mutat. 2018). Collection method: clinical testing. Allele origin: germline. Inheritance: Autosomal dominant inheritance. Affected: yes. Study: ERN GENTURIS. Not counted in ClinVar's aggregate classification.
Comment: PVS1_Strong; PS4_Moderate; PM2 (PMID: 30311375)

Baylor Genetics
Classification: Pathogenic for Familial cancer of breast. Last evaluated: 2021-04-28. Review status: criteria provided, single submitter. Criteria: ACMG Guidelines, 2015. Collection method: clinical testing. Allele origin: unknown. Not counted in ClinVar's aggregate classification.

BRCAlab, Lund University
Classification: Pathogenic for Hereditary cancer-predisposing syndrome. Last evaluated: 2022-08-26. Review status: no assertion criteria provided. Collection method: clinical testing. Allele origin: germline. Affected: yes. Not counted in ClinVar's aggregate classification.

Department of Pathology and Laboratory Medicine, Sinai Health System
Classification: Likely pathogenic. Review status: no assertion criteria provided. Collection method: clinical testing. Allele origin: unknown. Affected: yes. Study: The Canadian Open Genetics Repository (COGR). Not counted in ClinVar's aggregate classification.
Comment: The CDH1 c.1565+1G>T variant was identified in 4 of 54428 proband chromosomes (frequency: 0.00007) from individuals or families with gastric cancer or breast cancer (Hansford 2015, Humar 2002, Lowstuter 2017, Mi 2018). Of the patients identified with this variant 3 of 4 meet clinical criteria for HDGC (Lee 2018). The variant was also identified in dbSNP (ID: rs587780113) as â€šÃ„ÃºWith Pathogenic alleleâ€šÃ„Ã¹, and ClinVar (as pathogenic by Ambry Genetics and Invitae). The variant was not identified in the following control databases: the Exome Aggregation Consortium (August 8th 2016), or the Genome Aggregation Database (Feb 27, 2017). One study examined E-cadherin expression from a tumor sample positive for the c.1565+1G>T variant and identified slightly reduced E-cadherin expression localized to the cytoplasm and P-cadherin reduced protein expression however the study was performed with a colon cancer sample limiting the clinical significance of this finding (Barber 2008). Additional studies have identified alternate variants at this loci (c.1565+1G>A and c.1565+1G>C) and 2/6 of these families meet clinical criteria for HDGC (Hansford 2015, Schrader 2008). The c.1565+1G>T variant is predicted to cause abnormal splicing because the nucleotide substitution occurs in the invariant region of the splice consensus sequence. In addition, 4 of 4 in silico or computational prediction software programs (SpliceSiteFinder, MaxEntScan, NNSPLICE, GeneSplicer) predict a greater than 10% difference in splicing. In summary, based on the above information the clinical significance of this variant cannot be determined with certainty at this time although we would lean towards a more pathogenic role for this variant. This variant is classified as likely pathogenic.

Literature cited by the submitters: PubMed 11968084 (cited by 5 submitters); PubMed 20373070 (cited by Clingen Gastric Cancer Variant Curation Expert Panel); PubMed 26182300 (cited by 3 submitters); PubMed 18046629 (cited by 3 submitters); PubMed 18788075 (cited by 3 submitters); PubMed 27064202 (cited by Labcorp Genetics (formerly Invitae), Labcorp and Color Diagnostics, LLC DBA Color Health); PubMed 27153395 (cited by Labcorp Genetics (formerly Invitae), Labcorp and Color Diagnostics, LLC DBA Color Health); PubMed 37563628 (cited by Quest Diagnostics Nichols Institute San Juan Capistrano); PubMed 36436516 (cited by 3 submitters); PubMed 36509094 (cited by Quest Diagnostics Nichols Institute San Juan Capistrano); PubMed 34949788 (cited by Quest Diagnostics Nichols Institute San Juan Capistrano); PubMed 38992028 (cited by Quest Diagnostics Nichols Institute San Juan Capistrano); PubMed 38795236 (cited by Quest Diagnostics Nichols Institute San Juan Capistrano); PubMed 36600593 (cited by Quest Diagnostics Nichols Institute San Juan Capistrano); PubMed 36246616 (cited by Quest Diagnostics Nichols Institute San Juan Capistrano); PubMed 28688938 (cited by 3 submitters); PubMed 31843900 (cited by Color Diagnostics, LLC DBA Color Health).